The following is an entry in ClinVar:

NM_005751.5(AKAP9):c.2153C>T (p.Thr718Ile)

Gene: AKAP9 (A-kinase anchoring protein 9; plus strand). Cytogenetic location: 7q21.2.
Variant type: single nucleotide variant.
Coding change: c.2153C>T on transcript NM_005751.5 (MANE Select); coding-DNA position 2153, C replaced by T.
Protein change: p.Thr718Ile; replaces threonine 718 with isoleucine.
Molecular consequence: missense variant.
Genome position (GRCh38, 1-based): chr7:92,002,070, C>T. VCF-style: chr7-92002070-C-T. GRCh37 (hg19) VCF-style: chr7-91631384-C-T.
Other names: c.2153C>T, p.Thr718Ile (NM_147185.3); short protein forms T718I.
Identifiers: ClinVar variation 3225024 (VCV003225024.1), dbSNP rs2484692506, ClinGen allele CA368123446.

ClinVar aggregate classification (germline): Uncertain significance (1 of 4 stars; one submission).

Conditions:
Cardiovascular phenotype. Identifiers: MedGen CN230736.

Submission:

Ambry Genetics
Classification: Uncertain significance for Cardiovascular phenotype. Last evaluated: 2023-09-24. Review status: criteria provided, single submitter. Criteria: Ambry Variant Classification Scheme 2023. Collection method: clinical testing. Allele origin: germline.
Comment: The p.T718I variant (also known as c.2153C>T), located in coding exon 8 of the AKAP9 gene, results from a C to T substitution at nucleotide position 2153. The threonine at codon 718 is replaced by isoleucine, an amino acid with similar properties. This amino acid position is conserved. In addition, this alteration is predicted to be tolerated by in silico analysis. Since supporting evidence is limited at this time, the clinical significance of this alteration remains unclear.